The following is an entry in ClinVar:

ClinVar aggregate classification (germline): Likely pathogenic (1 of 4 stars; one submission).

Conditions:
Inborn genetic diseases. Identifiers: MedGen C0950123, MeSH D030342.

gnomAD v4.1: 1 of 1,614,172 alleles (0.000062%); highest among the groups gnomAD compares: Non-Finnish European, 0.000085%; no homozygotes.

Submission:

Ambry Genetics
Classification: Likely pathogenic for Inborn genetic diseases. Last evaluated: 2026-07-13. Review status: criteria provided, single submitter. Criteria: Ambry Variant Classification Scheme 2023. Collection method: clinical testing. Allele origin: germline.
Comment: The c.62A>G (p.K21R) alteration is located in exon 2 (coding exon 1) of the SETD1A gene. This alteration results from a A to G substitution at nucleotide position 62, causing the lysine (K) at amino acid position 21 to be replaced by an arginine (R). This variant was not reported in population-based cohorts in the Genome Aggregation Database (gnomAD). This amino acid position is highly conserved in available vertebrate species. This alteration is predicted to be deleterious by in silico analysis. Based on the available evidence, this alteration is classified as likely pathogenic.

NM_014712.3(SETD1A):c.62A>G (p.Lys21Arg)

Gene: SETD1A (SET domain containing 1A, histone lysine methyltransferase; plus strand). Cytogenetic location: 16p11.2.
Variant type: single nucleotide variant.
Coding change: c.62A>G on transcript NM_014712.3 (MANE Select); coding-DNA position 62, A replaced by G.
Protein change: p.Lys21Arg; replaces lysine 21 with arginine.
Molecular consequence: missense variant.
Genome position (GRCh38, 1-based): chr16:30,958,793, A>G. VCF-style: chr16-30958793-A-G. GRCh37 (hg19) VCF-style: chr16-30970114-A-G.
Other names: short protein forms K21R.
Identifiers: ClinVar variation 5029413 (VCV005029413.1).